The following is an entry in ClinVar:

ClinVar aggregate classification (germline): Uncertain significance (1 of 4 stars; one submission).

Conditions:
Atrioventricular septal defect 4 (AVSD4). Identifiers: MedGen C3280781, MONDO:0013747, OMIM 614430.

Allele frequency attached by ClinVar (database versions not stated): gnomAD exomes below 0.00001; ExAC 0.00015.
gnomAD v4.1: 6 of 1,472,170 alleles (0.00041%); highest among the groups gnomAD compares: South Asian, 0.0079%; no homozygotes.

Submission:

Labcorp Genetics (formerly Invitae), Labcorp
Classification: Uncertain significance for Atrioventricular septal defect 4. Last evaluated: 2024-09-21. Review status: criteria provided, single submitter. Criteria: Invitae Variant Classification Sherloc (09022015). Collection method: clinical testing. Allele origin: germline.
Comment: This sequence change replaces serine, which is neutral and polar, with leucine, which is neutral and non-polar, at codon 67 of the GATA4 protein (p.Ser67Leu). The frequency data for this variant in the population databases is considered unreliable, as metrics indicate poor data quality at this position in the gnomAD database. This variant has not been reported in the literature in individuals affected with GATA4-related conditions. Invitae Evidence Modeling of protein sequence and biophysical properties (such as structural, functional, and spatial information, amino acid conservation, physicochemical variation, residue mobility, and thermodynamic stability) indicates that this missense variant is not expected to disrupt GATA4 protein function with a negative predictive value of 80%. In summary, the available evidence is currently insufficient to determine the role of this variant in disease. Therefore, it has been classified as a Variant of Uncertain Significance.

NM_001308093.3(GATA4):c.200C>T (p.Ser67Leu)

Gene: GATA4 (GATA binding protein 4). Cytogenetic location: 8p23.1.
Variant type: single nucleotide variant.
Coding change: c.200C>T on transcript NM_001308093.3 (MANE Select); coding-DNA position 200, C replaced by T.
Protein change: p.Ser67Leu; replaces serine 67 with leucine.
Molecular consequence: missense variant. On other transcripts: intron variant (3).
Genome position (GRCh38, 1-based): chr8:11,708,512, C>T. VCF-style: chr8-11708512-C-T. GRCh37 (hg19) VCF-style: chr8-11566021-C-T.
Other names: c.200C>T, p.Ser67Leu (NM_002052.5); c.-6+7734C>T (NM_001308094.2); c.-3+498C>T (NM_001374274.1); c.-3+4208C>T (NM_001374273.1); short protein forms S67L.
Identifiers: ClinVar variation 2918053 (VCV002918053.3), dbSNP rs758170804, ClinGen allele CA4630614.